The following is an entry in ClinVar:

ClinVar aggregate classification (germline): Likely benign. Review status: criteria provided, multiple submitters, no conflicts (2 of 4 stars). 2 submissions from 2 submitters: Likely benign (2). Last evaluated 2025-02-06.

Submissions (2):

Mayo Clinic Laboratories, Mayo Clinic
Classification: Likely benign. Last evaluated: 2025-02-06. Review status: criteria provided, single submitter. Criteria: ACMG Guidelines, 2015. Collection method: clinical testing. Allele origin: germline. Observed: 2 variant alleles.
Comment: BP4, BP7

Blueprint Genetics
Classification: Likely benign. Last evaluated: 2024-04-25. Review status: criteria provided, single submitter. Criteria: ACMG Guidelines, 2015. Collection method: clinical testing. Allele origin: germline.

NM_001256071.3(RNF213):c.582G>A (p.Pro194=)

Gene: RNF213 (ring finger protein 213; plus strand). Cytogenetic location: 17q25.3.
Variant type: single nucleotide variant.
Coding change: c.582G>A on transcript NM_001256071.3 (MANE Select); coding-DNA position 582, G replaced by A.
Protein change: p.Pro194=; no amino-acid change (proline 194 retained).
Molecular consequence: synonymous variant.
Genome position (GRCh38, 1-based): chr17:80,288,135, G>A. VCF-style: chr17-80288135-G-A. GRCh37 (hg19) VCF-style: chr17-78261934-G-A.
Other names: p.Pro194=; c.729G>A, p.Pro243= (NM_001410195.1, NM_020914.5); c.582G>A, p.Pro194= (NM_020954.4).
Identifiers: ClinVar variation 4684261 (VCV004684261.2).